The following is an entry in ClinVar:

ClinVar aggregate classification (germline): Uncertain significance (1 of 4 stars; one submission).

Conditions:
Hereditary cancer-predisposing syndrome. Also called: Neoplastic Syndromes, Hereditary; Tumor predisposition; Hereditary Cancer Syndrome; Hereditary neoplastic syndrome. Identifiers: Orphanet 140162, MedGen C0027672, MeSH D009386, MONDO:0015356.

Submission:

Ambry Genetics
Classification: Uncertain significance for Hereditary cancer-predisposing syndrome. Last evaluated: 2021-05-24. Review status: criteria provided, single submitter. Criteria: Ambry Variant Classification Scheme 2023. Collection method: clinical testing. Allele origin: germline.
Comment: The p.A1083S variant (also known as c.3247G>T), located in coding exon 14 of the MET gene, results from a G to T substitution at nucleotide position 3247. The alanine at codon 1083 is replaced by serine, an amino acid with similar properties. This amino acid position is not well conserved in available vertebrate species. In addition, this alteration is predicted to be tolerated by in silico analysis. Since supporting evidence is limited at this time, the clinical significance of this alteration remains unclear.

NM_000245.4(MET):c.3193G>T (p.Ala1065Ser)

Gene: MET (MET proto-oncogene, receptor tyrosine kinase; plus strand). Cytogenetic location: 7q31.2.
Variant type: single nucleotide variant.
Coding change: c.3193G>T on transcript NM_000245.4 (MANE Select); coding-DNA position 3193, G replaced by T.
Protein change: p.Ala1065Ser; replaces alanine 1065 with serine.
Molecular consequence: missense variant.
Genome position (GRCh38, 1-based): chr7:116,775,045, G>T. VCF-style: chr7-116775045-G-T. GRCh37 (hg19) VCF-style: chr7-116415099-G-T.
Other names: c.3247G>T, p.Ala1083Ser (NM_001127500.3); c.1903G>T, p.Ala635Ser (NM_001324402.2); short protein forms A635S, A1065S, A1083S.
Identifiers: ClinVar variation 1729360 (VCV001729360.2), dbSNP rs2117031569, ClinGen allele CA368988577.